The following is an entry in ClinVar:

ClinVar aggregate classification (germline): Likely benign. Review status: criteria provided, multiple submitters, no conflicts (2 of 4 stars). 2 submissions from 2 submitters: Likely benign (2). Last evaluated 2025-11-01.

Conditions:
Fanconi anemia (FA). Also called: Fanconi's anemia. Identifiers: Orphanet 84, MedGen C0015625, MeSH D005199, MONDO:0019391.

Allele frequency attached by ClinVar (database versions not stated): gnomAD exomes below 0.00001; TOPMed below 0.00001; gnomAD 0.00001.
gnomAD v4.1: 3 of 1,613,920 alleles (0.00019%); highest among the groups gnomAD compares: African/African-American, 0.0013%; no homozygotes.

Submissions (2):

CeGaT Center for Human Genetics Tuebingen
Classification: Likely benign. Last evaluated: 2025-11-01. Review status: criteria provided, single submitter. Criteria: CeGaT Center For Human Genetics Tuebingen Variant Classification Criteria Version 2. Collection method: clinical testing. Allele origin: germline. Affected: yes. Observed: 1 variant allele.
Comment: FANCI: BP4, BP7

Labcorp Genetics (formerly Invitae), Labcorp
Classification: Likely benign for Fanconi anemia. Last evaluated: 2023-05-19. Review status: criteria provided, single submitter. Criteria: Invitae Variant Classification Sherloc (09022015). Collection method: clinical testing. Allele origin: germline.

NM_001113378.2(FANCI):c.241T>C (p.Leu81=)

Gene: FANCI (FA complementation group I; plus strand). Cytogenetic location: 15q26.1.
Variant type: single nucleotide variant.
Coding change: c.241T>C on transcript NM_001113378.2 (MANE Select); coding-DNA position 241, T replaced by C.
Protein change: p.Leu81=; no amino-acid change (leucine 81 retained).
Molecular consequence: synonymous variant. On other transcripts: 5 prime UTR variant (1).
Genome position (GRCh38, 1-based): chr15:89,260,796, T>C. VCF-style: chr15-89260796-T-C. GRCh37 (hg19) VCF-style: chr15-89804027-T-C.
Other names: c.-39T>C (NM_001376910.1); c.241T>C, p.Leu81= (NM_001376911.1, NM_018193.3).
Identifiers: ClinVar variation 2852990 (VCV002852990.9), dbSNP rs1241855086, ClinGen allele CA492064244.